The following is an entry in ClinVar:

NM_018359.5(UFSP2):c.619A>G (p.Lys207Glu)

Genes: CFAP96 (cilia and flagella associated protein 96; plus strand), UFSP2 (UFM1 specific peptidase 2; minus strand). Cytogenetic location: 4q35.1.
Variant type: single nucleotide variant.
Coding change: c.619A>G on transcript NM_018359.5 (MANE Select); coding-DNA position 619, A replaced by G.
Protein change: p.Lys207Glu; replaces lysine 207 with glutamic acid.
Molecular consequence: missense variant. On other transcripts: non-coding transcript variant (2).
Genome position (GRCh38, 1-based): chr4:185,415,220, T>C on the plus strand (A>G on the coding strand, the complement: UFSP2 is on the minus strand). VCF-style: chr4-185415220-T-C. GRCh37 (hg19) VCF-style: chr4-186336374-T-C.
Other names: short protein forms K207E.
Identifiers: ClinVar variation 5041793 (VCV005041793.1).

ClinVar aggregate classification (germline): Likely benign (1 of 4 stars; one submission).

gnomAD v4.1: 16 of 1,608,534 alleles (0.00099%); highest among the groups gnomAD compares: Admixed American, 0.016%; no homozygotes.

Submission:

CeGaT Center for Human Genetics Tuebingen
Classification: Likely benign. Last evaluated: 2026-09-01. Review status: criteria provided, single submitter. Criteria: CeGaT Center For Human Genetics Tuebingen Variant Classification Criteria Version 2. Collection method: clinical testing. Allele origin: germline. Affected: yes. Observed: 1 variant allele.
Comment: UFSP2: BP4